The following is an entry in ClinVar:

ClinVar aggregate classification (germline): Benign (1 of 4 stars; one submission).

Allele frequency attached by ClinVar (database versions not stated): 1000 Genomes Project 30x 0.06230; gnomAD 0.05141 and 0.05448; TOPMed 0.05721; 1000 Genomes Project 0.06210.
gnomAD v4.1: 7,738 of 151,996 alleles (5.1%); highest among the groups gnomAD compares: African/African-American, 17%; 590 homozygotes.

Submission:

GeneDx
Classification: Benign. Last evaluated: 2018-06-14. Review status: criteria provided, single submitter. Criteria: GeneDx Variant Classification (06012015). Collection method: clinical testing. Allele origin: germline. Affected: yes.
Comment: This variant is considered likely benign or benign based on one or more of the following criteria: it is a conservative change, it occurs at a poorly conserved position in the protein, it is predicted to be benign by multiple in silico algorithms, and/or has population frequency not consistent with disease.

NM_001035.3(RYR2):c.4161-189A>G

Gene: RYR2 (ryanodine receptor 2; plus strand). Cytogenetic location: 1q43.
Variant type: single nucleotide variant.
Coding change: c.4161-189A>G on transcript NM_001035.3 (MANE Select); 189 bases into the intron before coding-DNA position 4161, A replaced by G.
Molecular consequence: intron variant.
Genome position (GRCh38, 1-based): chr1:237,591,550, A>G. VCF-style: chr1-237591550-A-G. GRCh37 (hg19) VCF-style: chr1-237754850-A-G.
Identifiers: ClinVar variation 674606 (VCV000674606.1), dbSNP rs59574575, ClinGen allele CA39803849.
Genomic context (GRCh38, chr1:237,591,550, plus strand): 5'-CTTTGTTGAGGACACACCTTGGACATTGAAGGATGCTGAGCAGCATCCTGACCTCCACCC[A>G]CTAGATGCCAGTAGCACTCCATCCCCCAAACTGTGAGAACCAAAAACATGTATTTTCAGA-3'